The following is an entry in ClinVar:

NM_006941.4(SOX10):c.616dup (p.His206fs)

Genes: POLR2F (RNA polymerase II, I and III subunit F; plus strand), SOX10 (SRY-box transcription factor 10; minus strand). Cytogenetic location: 22q13.1.
Variant type: Duplication.
Coding change: c.616dup on transcript NM_006941.4 (MANE Select); coding-DNA position 616, one base duplicated (C; older notation c.616dupC).
Protein change: p.His206fs; shifts the reading frame from histidine 206.
Molecular consequence: frameshift variant. On other transcripts: intron variant (3).
Genome position (GRCh38, 1-based): chr22:37,977,948, G duplicated on the plus strand (C on the coding strand, the reverse complement: SOX10 is on the minus strand); the first of 3 consecutive G bases (chr22:37,977,948-37,977,950); duplicating any one gives the same sequence. VCF-style (leftmost placement, unchanged base first): chr22-37977947-T-TG. GRCh37 (hg19) VCF-style: chr22-38373954-T-TG.
Other names: c.*38+5640dup (NM_001363825.1); c.294-8204dup (NM_001301130.2); c.293+10780dup (NM_001301131.2); short protein forms H206fs.
Identifiers: ClinVar variation 2000837 (VCV002000837.4), dbSNP rs2518046595, ClinGen allele CA2580099758.

ClinVar aggregate classification (germline): Pathogenic (1 of 4 stars; one submission).

Submission:

Labcorp Genetics (formerly Invitae), Labcorp
Classification: Pathogenic. Last evaluated: 2023-05-23. Review status: criteria provided, single submitter. Criteria: Invitae Variant Classification Sherloc (09022015). Collection method: clinical testing. Allele origin: germline.
Comment: For these reasons, this variant has been classified as Pathogenic. This variant disrupts a region of the SOX10 protein in which other variant(s) (p.Gln399Valfs*2) have been determined to be pathogenic (PMID: 23237859). This suggests that this is a clinically significant region of the protein, and that variants that disrupt it are likely to be disease-causing. ClinVar contains an entry for this variant (Variation ID: 2000837). This variant has not been reported in the literature in individuals affected with SOX10-related conditions. This variant is not present in population databases (gnomAD no frequency). This sequence change creates a premature translational stop signal (p.His206Profs*75) in the SOX10 gene. While this is not anticipated to result in nonsense mediated decay, it is expected to disrupt the last 261 amino acid(s) of the SOX10 protein.

Literature cited by the submitters: PubMed 23237859.